The following is an entry in ClinVar:

NM_005515.4(MNX1):c.488_494dup (p.Tyr166fs)

Genes: MNX1 (motor neuron and pancreas homeobox 1; minus strand), LOC129999735 (ATAC-STARR-seq lymphoblastoid silent region 18857; plus strand). Cytogenetic location: 7q36.3.
Variant type: Duplication.
Coding change: c.488_494dup on transcript NM_005515.4 (MANE Select); coding-DNA positions 488 to 494, 7 bases duplicated (TCTACGG; older notation c.488_494dupTCTACGG).
Protein change: p.Tyr166fs; shifts the reading frame from tyrosine 166.
Molecular consequence: frameshift variant.
Genome position (GRCh38, 1-based): chr7:157,009,857-157,009,863, CCGTAGA duplicated on the plus strand (TCTACGG on the coding strand, the reverse complement: MNX1 is on the minus strand); duplicating any 7 consecutive bases within chr7:157,009,857-157,009,866 gives the same sequence; the c. name uses the placement nearest the transcript's 3' end. VCF-style (leftmost placement, unchanged base first): chr7-157009856-G-GCCGTAGA. GRCh37 (hg19) VCF-style: chr7-156802550-G-GCCGTAGA.
Other names: short protein forms Y166fs.
Identifiers: ClinVar variation 1699280 (VCV001699280.3), dbSNP rs2134846330, ClinGen allele CA2573130297.

ClinVar aggregate classification (germline): Pathogenic (1 of 4 stars; one submission).

Conditions:
Currarino triad. Identifiers: Orphanet 1552, MedGen C1531773, MONDO:0008305, OMIM 176450.

Submission:

Victorian Clinical Genetics Services, Murdoch Childrens Research Institute
Classification: Pathogenic for Currarino triad. Last evaluated: 2022-06-24. Review status: criteria provided, single submitter. Criteria: ACMG Guidelines, 2015. Collection method: clinical testing. Allele origin: germline. Inheritance: Autosomal dominant inheritance.
Comment: Based on the classification scheme VCGS_Germline_v1.3.4, this variant is classified as Pathogenic. Following criteria are met: 0102 - Loss of function is a known mechanism of disease in this gene and is associated with Currarino syndrome (MIM#176450). (I) 0107 - This gene is associated with autosomal dominant disease. (I) 0112 - The condition associated with this gene has incomplete penetrance (OMIM, PMID: 33836786). (I) 0115 - Variants in this gene are known to have variable expressivity (OMIM, PMID: 33836786). (I) 0201 - Variant is predicted to cause nonsense-mediated decay (NMD) and loss of protein (premature termination codon is located at least 54 nucleotides upstream of the final exon-exon junction). (SP) 0251 - This variant is heterozygous. (I) 0301 - Variant is absent from gnomAD (both v2 and v3). (SP) 0701 - Other null variants comparable to the one identified in this case have very strong previous evidence for pathogenicity. There are at least ten likely pathogenic or pathogenic NMD-predicted variants that have been previously reported (DECIPHER, ClinVar, PMID: 32571425). (SP) 0807 - This variant has no previous evidence of pathogenicity. (I) 0905 - No published segregation evidence has been identified for this variant. (I) 1007 - No published functional evidence has been identified for this variant. (I) Legend: (SP) - Supporting pathogenic, (I) - Information, (SB) - Supporting benign

Literature cited by the submitters: PubMed 32571425; PubMed 33836786.